The following is an entry in ClinVar:

NM_003809.3(TNFSF12):c.576GGA[1] (p.Glu194del)

Genes: TNFSF12 (TNF superfamily member 12; plus strand), TNFSF12-TNFSF13 (TNFSF12-TNFSF13 readthrough; plus strand). Cytogenetic location: 17p13.1.
Variant type: Microsatellite.
Coding change: c.576GGA[1] on transcript NM_003809.3 (MANE Select); one copy of the 3-base unit GGA starting at c.576; the reference has two copies in a row; one copy, 3 bases deleted.
Protein change: p.Glu194del; deletes glutamic acid 194.
Molecular consequence: inframe deletion. On other transcripts: non-coding transcript variant (1), intron variant (1).
Genome position (GRCh38, 1-based): chr17:7,557,179-7,557,181, GGA deleted; deleting any 3 consecutive bases within chr17:7,557,176-7,557,181 gives the same sequence; the position shown is the placement nearest the transcript's 3' end. VCF-style (leftmost placement, unchanged base first): chr17-7557175-TGGA-T. GRCh37 (hg19) VCF-style: chr17-7460492-TGGA-T.
Other names: c.498+277_498+279del (NM_172089.4); short protein forms E194del.
Identifiers: ClinVar variation 1395359 (VCV001395359.6), dbSNP rs2150909548, ClinGen allele CA2576153480.

ClinVar aggregate classification (germline): Uncertain significance (1 of 4 stars; one submission).

Conditions:
Common variable immunodeficiency (CVID). Also called: Common variable hypogamma-globulinemia; Common variable agammaglobulinemia. Identifiers: Orphanet 1572, MedGen C0009447, MONDO:0015517.

Submission:

Labcorp Genetics (formerly Invitae), Labcorp
Classification: Uncertain significance for Common variable immunodeficiency. Last evaluated: 2024-08-19. Review status: criteria provided, single submitter. Criteria: Invitae Variant Classification Sherloc (09022015). Collection method: clinical testing. Allele origin: germline.
Comment: This variant, c.579_581del, results in the deletion of 1 amino acid(s) of the TNFSF12 protein (p.Glu194del), but otherwise preserves the integrity of the reading frame. This variant is not present in population databases (gnomAD no frequency). This variant has not been reported in the literature in individuals affected with TNFSF12-related conditions. Experimental studies and prediction algorithms are not available or were not evaluated, and the functional significance of this variant is currently unknown. In summary, the available evidence is currently insufficient to determine the role of this variant in disease. Therefore, it has been classified as a Variant of Uncertain Significance.